The following is an entry in ClinVar:

NM_004187.5(KDM5C):c.2609T>C (p.Ile870Thr)

Gene: KDM5C (lysine demethylase 5C; minus strand). Cytogenetic location: Xp11.22.
Variant type: single nucleotide variant.
Coding change: c.2609T>C on transcript NM_004187.5 (MANE Select); coding-DNA position 2609, T replaced by C.
Protein change: p.Ile870Thr; replaces isoleucine 870 with threonine.
Molecular consequence: missense variant. On other transcripts: non-coding transcript variant (3).
Genome position (GRCh38, 1-based): chrX:53,197,784, A>G on the plus strand (T>C on the coding strand, the complement: KDM5C is on the minus strand). VCF-style: chrX-53197784-A-G. GRCh37 (hg19) VCF-style: chrX-53226966-A-G.
Other names: c.2408T>C, p.Ile803Thr (NM_001146702.2); c.2606T>C, p.Ile869Thr (NM_001282622.3, NM_001353979.2, NM_001353982.2); c.2609T>C, p.Ile870Thr (NM_001353978.3, NM_001353981.2, NM_001353984.2); short protein forms I803T, I869T, I870T.
Identifiers: ClinVar variation 3029950 (VCV003029950.2), dbSNP rs2519406761, ClinGen allele CA413116277.
Genomic context (GRCh38, chrX:53,197,784, plus strand): 5'-GTCCCCTGGTCCCCTTGATCCCTCATCAGCACTCCAAGCGTCCTCACCTTGACATCCCCA[A>G]TCTGGTGCATGGCGCAAGGCAGGTTGTTCATCTGGTCCAGAAAGGCCCGGAGCTCAGTCA-3'
Protein context (NP_004178.2, residues 860-880): MNNLPCAMHQ[Ile870Thr]GDVKGVLEQV

ClinVar aggregate classification (germline): Uncertain significance (0 of 4 stars; one submission).

Conditions:
KDM5C-related disorder. Also called: KDM5C-related condition.

Submission:

PreventionGenetics, part of Exact Sciences
Classification: Uncertain significance for KDM5C-related condition. Last evaluated: 2024-02-07. Review status: no assertion criteria provided. Collection method: clinical testing. Allele origin: germline.
Comment: The KDM5C c.2609T>C variant is predicted to result in the amino acid substitution p.Ile870Thr. To our knowledge, this variant has not been reported in the literature or in a large population database, indicating this variant is rare. At this time, the clinical significance of this variant is uncertain due to the absence of conclusive functional and genetic evidence.